The following is an entry in ClinVar:

ClinVar aggregate classification (germline): Uncertain significance (1 of 4 stars; one submission).

Submission:

Labcorp Genetics (formerly Invitae), Labcorp
Classification: Uncertain significance. Last evaluated: 2024-09-11. Review status: criteria provided, single submitter. Criteria: Invitae Variant Classification Sherloc (09022015). Collection method: clinical testing. Allele origin: germline.
Comment: This sequence change replaces arginine, which is basic and polar, with proline, which is neutral and non-polar, at codon 1971 of the DCHS1 protein (p.Arg1971Pro). This variant is not present in population databases (gnomAD no frequency). This variant has not been reported in the literature in individuals affected with DCHS1-related conditions. Invitae Evidence Modeling of protein sequence and biophysical properties (such as structural, functional, and spatial information, amino acid conservation, physicochemical variation, residue mobility, and thermodynamic stability) has been performed for this missense variant. However, the output from this modeling did not meet the statistical confidence thresholds required to predict the impact of this variant on DCHS1 protein function. In summary, the available evidence is currently insufficient to determine the role of this variant in disease. Therefore, it has been classified as a Variant of Uncertain Significance.

NM_003737.4(DCHS1):c.5912G>C (p.Arg1971Pro)

Gene: DCHS1 (dachsous cadherin-related 1; minus strand). Cytogenetic location: 11p15.4.
Variant type: single nucleotide variant.
Coding change: c.5912G>C on transcript NM_003737.4 (MANE Select); coding-DNA position 5912, G replaced by C.
Protein change: p.Arg1971Pro; replaces arginine 1971 with proline.
Molecular consequence: missense variant.
Genome position (GRCh38, 1-based): chr11:6,627,127, C>G on the plus strand (G>C on the coding strand, the complement: DCHS1 is on the minus strand). VCF-style: chr11-6627127-C-G. GRCh37 (hg19) VCF-style: chr11-6648358-C-G.
Other names: short protein forms R1971P.
Identifiers: ClinVar variation 3729899 (VCV003729899.2).